The following is an entry in ClinVar:

NM_004260.4(RECQL4):c.2269C>T (p.Gln757Ter)

Gene: RECQL4 (RecQ like helicase 4; minus strand). Cytogenetic location: 8q24.3.
Variant type: single nucleotide variant.
Coding change: c.2269C>T on transcript NM_004260.4 (MANE Select); coding-DNA position 2269, C replaced by T.
Protein change: p.Gln757Ter; replaces glutamine 757 with a stop codon.
Molecular consequence: nonsense.
Genome position (GRCh38, 1-based): chr8:144,513,412, G>A on the plus strand (C>T on the coding strand, the complement: RECQL4 is on the minus strand). VCF-style: chr8-144513412-G-A. GRCh37 (hg19) VCF-style: chr8-145738796-G-A.
Other names: short protein forms Q757*.
Identifiers: ClinVar variation 6063 (VCV000006063.47), dbSNP rs137853229, ClinGen allele CA253750.

ClinVar aggregate classification (germline): Pathogenic. Review status: criteria provided, multiple submitters, no conflicts (2 of 4 stars). 12 submissions from 12 submitters: Pathogenic (11). 1 of the submissions does not count toward it. Last evaluated 2026-01-13.

Conditions:
RECQL4-related disorder. Also called: RECQL4-related condition; RECQL4-related disorders.
Rothmund-Thomson syndrome type 2 (RTS2). Identifiers: Orphanet 221016, MedGen C5203410, MONDO:0016369, OMIM 268400.
Baller-Gerold syndrome (BGS). Also called: CRANIOSYNOSTOSIS WITH RADIAL DEFECTS. Identifiers: Orphanet 1225, MedGen C0265308, MONDO:0009039, OMIM 218600.
Rapadilino syndrome. Identifiers: Orphanet 3021, MedGen C1849453, MONDO:0009955, OMIM 266280.
Inborn genetic diseases. Identifiers: MedGen C0950123, MeSH D030342.
Hereditary cancer-predisposing syndrome. Also called: Neoplastic Syndromes, Hereditary; Tumor predisposition; Hereditary Cancer Syndrome; Hereditary neoplastic syndrome. Identifiers: Orphanet 140162, MedGen C0027672, MeSH D009386, MONDO:0015356.
Rothmund-Thomson syndrome (RTS). Also called: Poikiloderma of Rothmund-Thomson; Poikiloderma Congenitale. Identifiers: Orphanet 2909, MedGen C0032339, MONDO:0010002.

Allele frequency attached by ClinVar (database versions not stated): ExAC 0.00008; gnomAD 0.00008 and 0.00009; gnomAD exomes 0.00012; TOPMed 0.00012.
gnomAD v4.1: 190 of 1,608,862 alleles (0.012%); highest among the groups gnomAD compares: Admixed American, 0.028%; no homozygotes.

Submissions (12):

Labcorp Genetics (formerly Invitae), Labcorp
Classification: Pathogenic for Baller-Gerold syndrome. Last evaluated: 2026-01-13. Review status: criteria provided, single submitter. Criteria: Invitae Variant Classification Sherloc (09022015). Collection method: clinical testing. Allele origin: germline.
Comment: This sequence change creates a premature translational stop signal (p.Gln757*) in the RECQL4 gene. It is expected to result in an absent or disrupted protein product. Loss-of-function variants in RECQL4 are known to be pathogenic (PMID: 12734318, 12952869). This variant is present in population databases (rs137853229, gnomAD 0.04%). This premature translational stop signal has been observed in individual(s) with RAPADILINO syndrome and Rothmund-Thomson syndrome (PMID: 10319867, 12734318, 18716613, 21418107, 24635570, 25120469, 27247962). ClinVar contains an entry for this variant (Variation ID: 6063). For these reasons, this variant has been classified as Pathogenic.

St. Jude Molecular Pathology, St. Jude Children's Research Hospital
Classification: Pathogenic for Rothmund-Thomson syndrome type 2. Last evaluated: 2024-10-08. Review status: criteria provided, single submitter. Criteria: St. Jude Assertion Criteria 2020. Collection method: clinical testing. Allele origin: germline.
Comment: The RECQL4 c.2269C>T (p.Gln757Ter) change is a nonsense variant that is predicted to cause premature protein truncation or absence of protein due to nonsense-mediated decay. This variant has been reported in the homozygous or compound heterozygous state in multiple individuals with Rothmund-Thomson syndrome and RAPADILINO syndrome (PMID: 8737976, 10319867, 21418107, 25120469, 18716613, 18616953, 12734318, 24635570, 27247962). It has also been reported in the heterozygous state in an individual with osteosarcoma (PMID: 31604778). This variant has a maximum subpopulation frequency of 0.04% in gnomAD v2.1.1. In summary, this variant meets criteria to be classified as pathogenic.

CeGaT Center for Human Genetics Tuebingen
Classification: Pathogenic. Last evaluated: 2024-04-01. Review status: criteria provided, single submitter. Criteria: CeGaT Center For Human Genetics Tuebingen Variant Classification Criteria Version 2. Collection method: clinical testing. Allele origin: germline. Affected: yes. Observed: 1 variant allele.
Comment: RECQL4: PVS1, PM3:Strong, PP1:Strong, PM2

Department of Pathology and Laboratory Medicine, Sinai Health System
Classification: Pathogenic for Baller-Gerold syndrome; Rapadilino syndrome; Rothmund-Thomson syndrome type 2. Last evaluated: 2023-09-18. Review status: criteria provided, single submitter. Criteria: ACMG Guidelines, 2015. Collection method: research. Allele origin: germline.

Blueprint Genetics
Classification: Pathogenic for RECQL4-related disorders. Last evaluated: 2022-08-09. Review status: criteria provided, single submitter. Criteria: ACMG Guidelines, 2015. Collection method: clinical testing. Allele origin: germline. Affected: yes. Observed: 5 variant alleles.

GeneDx
Classification: Pathogenic. Last evaluated: 2022-01-20. Review status: criteria provided, single submitter. Criteria: GeneDx Variant Classification Process June 2021. Collection method: clinical testing. Allele origin: germline. Affected: yes.
Comment: Nonsense variant predicted to result in protein truncation or nonsense mediated decay in a gene for which loss-of-function is a known mechanism of disease; This variant is associated with the following publications: (PMID: 12734318, 10319867, 25120469, 18716613, 24635570, 21418107, 27247962, 33541411)

Sema4
Classification: Pathogenic for Hereditary cancer-predisposing syndrome. Last evaluated: 2021-11-09. Review status: criteria provided, single submitter. Criteria: Sema4 Curation Guidelines. Collection method: curation. Allele origin: germline.
Comment: The RECQL4 c.2269C>T (p.Q757X) variant has been reported as homozygous or as compound heterozygous in numerous individuals with Rothmund-Thomson syndrome and at least one individual with RAPADILINO syndrome (PMID: 10319867, 127343180, 18716613, among others). This nonsense variant creates a premature stop codon at residue 757 of the RECQL4 protein. This variant is predicted to cause loss of normal protein function either through protein truncation or nonsense-mediated mRNA decay. Loss-of-function variants in RECQL4 are known to be pathogenic (PMID: 12734318, 12952869). This variant was observed in 14/35144 chromosomes in the Latino subpopulation, including no homozygotes, in the large and broad cohorts of the Genome Aggregation Database (PMID: 32461654). This variant has been reported in ClinVar (Variation ID: 6063). Based on the current evidence available, this variant is interpreted as pathogenic.

Women's Health and Genetics/Laboratory Corporation of America, LabCorp
Classification: Pathogenic for RECQL4-Related Disorders. Last evaluated: 2021-07-08. Review status: criteria provided, single submitter. Criteria: LabCorp Variant Classification Summary - May 2015. Collection method: clinical testing. Allele origin: germline.
Comment: Variant summary: RECQL4 c.2269C>T (p.Gln757X) results in a premature termination codon, predicted to cause a truncation of the encoded protein or absence of the protein due to nonsense mediated decay, which are commonly known mechanisms for disease. The variant allele was found at a frequency of 0.00012 in 239722 control chromosomes (gnomAD). c.2269C>T has been reported in the literature in multiple compound heterozygous and homozygous individuals affected with RECQL4-Related Disorders (e.g. Kitao_1999, Wang_2003, Siitonen_2009). These data indicate that the variant is very likely to be associated with disease. Three ClinVar submitters (evaluation after 2014) cite the variant as pathogenic. Based on the evidence outlined above, the variant was classified as pathogenic.

Ambry Genetics
Classification: Pathogenic for Inborn genetic diseases. Last evaluated: 2021-05-05. Review status: criteria provided, single submitter. Criteria: Ambry Variant Classification Scheme 2023. Collection method: clinical testing. Allele origin: germline.
Comment: The c.2269C>T (p.Q757*) alteration, located in exon 14 (coding exon 14) of the RECQL4 gene, consists of a C to T substitution at nucleotide position 2269. This changes the amino acid from a glutamine (Q) to a stop codon at amino acid position 757. This alteration is expected to result in loss of function by premature protein truncation or nonsense-mediated mRNA decay. Based on data from the Genome Aggregation Database (gnomAD) database, the RECQL4 c.2269C>T alteration was observed in 0.01% (32/271122) of total alleles studied, with a frequency of 0.04% (14/35144) in the Latino subpopulation. This recurrent mutation has been reported in the homozygous state and presumed in trans with other truncating alterations in patients with RECQL4-related disorders (Siitonen, 2009; Piard, 2015). Based on the available evidence, this alteration is classified as pathogenic.

Fulgent Genetics
Classification: Pathogenic for Baller-Gerold syndrome; Rapadilino syndrome; Rothmund-Thomson syndrome type 2. Last evaluated: 2018-10-31. Review status: criteria provided, single submitter. Criteria: ACMG Guidelines, 2015. Collection method: clinical testing. Allele origin: unknown.

Equipe Genetique des Anomalies du Developpement, Université de Bourgogne
Classification: Pathogenic for Rothmund-Thomson syndrome type 2. Last evaluated: 2014-05-02. Review status: criteria provided, single submitter. Criteria: ACMG Guidelines, 2015. Collection method: clinical testing. Allele origin: unknown. Affected: yes. Study: Clinvar_gadteam_Clinical_exome_analysis_3.

OMIM
Classification: Pathogenic for ROTHMUND-THOMSON SYNDROME, TYPE 2. Last evaluated: 2009-02-01. Review status: no assertion criteria provided. Collection method: literature only. Allele origin: germline. Not counted in ClinVar's aggregate classification.

Literature cited by the submitters: PubMed 12734318 (cited by 4 submitters); PubMed 12952869 (cited by Labcorp Genetics (formerly Invitae), Labcorp and Sema4); PubMed 10319867 (cited by 4 submitters); PubMed 18716613 (cited by 5 submitters); PubMed 21418107 (cited by Labcorp Genetics (formerly Invitae), Labcorp); PubMed 24635570 (cited by Labcorp Genetics (formerly Invitae), Labcorp and Ambry Genetics); PubMed 25120469 (cited by Labcorp Genetics (formerly Invitae), Labcorp); PubMed 27247962 (cited by Labcorp Genetics (formerly Invitae), Labcorp); PubMed 15964893 (cited by OMIM).